The following is an entry in ClinVar:

ClinVar aggregate classification (germline): Pathogenic/Likely pathogenic. Review status: criteria provided, multiple submitters, no conflicts (2 of 4 stars). 2 submissions from 2 submitters: Pathogenic (1); Likely pathogenic (1). Last evaluated 2025-05-05.

Conditions:
alpha Thalassemia. Also called: Alpha thalassemia spectrum. Identifiers: Orphanet 846, MedGen C0002312, MONDO:0011399, OMIM 604131.

Submissions (2):

Natera, Inc.
Classification: Likely pathogenic for Alpha thalassemia. Last evaluated: 2025-05-05. Review status: criteria provided, single submitter. Criteria: Natera Variant Classification Schema (03/2026). Collection method: clinical testing. Allele origin: germline.
Comment: The c.2T>G variant in HBA1 is predicted to result in start loss due to disruption of the initiator methionine. This variant is expected to result in nonsense mediated decay, truncation, or a dysfunctional protein product. This variant is rare in the general population with a frequency below the threshold expected for the associated phenotype(s). Given the available evidence, this variant is classified as Likely Pathogenic.

Genomic Research Center, Shahid Beheshti University of Medical Sciences
Classification: Pathogenic for alpha Thalassemia. Last evaluated: 2020-05-03. Review status: criteria provided, single submitter. Criteria: ACMG Guidelines, 2015. Collection method: clinical testing. Allele origin: unknown. Affected: yes.

NM_000558.5(HBA1):c.2T>G (p.Met1Arg)

Genes: HBA1 (hemoglobin subunit alpha 1; plus strand), LOC106804613 (hemoglobin subunit alpha 1 recombination region; plus strand). Cytogenetic location: 16p13.3.
Variant type: single nucleotide variant.
Coding change: c.2T>G on transcript NM_000558.5 (MANE Select); coding-DNA position 2, T replaced by G.
Protein change: p.Met1Arg; changes the start codon (methionine 1).
Molecular consequence: missense variant, initiator codon variant.
Genome position (GRCh38, 1-based): chr16:176,718, T>G. VCF-style: chr16-176718-T-G. GRCh37 (hg19) VCF-style: chr16-226717-T-G.
Other names: c.2T>G (NM_000558.4); short protein forms M1R.
Identifiers: ClinVar variation 915293 (VCV000915293.6), dbSNP rs1316527998, ClinGen allele CA393994890.